The following is an entry in ClinVar:

ClinVar aggregate classification (germline): Likely pathogenic (1 of 4 stars; one submission).

Conditions:
Pancytopenia-developmental delay syndrome. Also called: Bone marrow failure syndrome 2. Identifiers: Orphanet 401764, MedGen C3810350, MONDO:0014317, OMIM 615715.

Submission:

Suma Genomics
Classification: Likely pathogenic for Pancytopenia-developmental delay syndrome. Review status: criteria provided, single submitter. Criteria: ACMG Guidelines, 2015. Collection method: clinical testing. Allele origin: germline. Inheritance: Autosomal recessive inheritance. Affected: yes. Observed: 1 variant allele, 1 homozygote.
Comment: This variant is not observed in the gnomAD database. ACMG classification: Likely pathogenic Criteria met: PVS1: Null variant in a gene where loss of function is a known mechanism of disease PM2_Supporting: Extremely low frequency in gnomAD population databases

NM_020207.7(ERCC6L2):c.2745del (p.Asp916fs)

Gene: ERCC6L2 (ERCC excision repair 6 like 2; plus strand). Cytogenetic location: 9q22.32.
Variant type: Deletion.
Coding change: c.2745del on transcript NM_020207.7 (MANE Select); coding-DNA position 2745, one base deleted (C; older notation c.2745delC).
Protein change: p.Asp916fs; shifts the reading frame from aspartic acid 916.
Molecular consequence: frameshift variant. On other transcripts: non-coding transcript variant (1).
Genome position (GRCh38, 1-based): chr9:95,972,496, C deleted; the last of 4 consecutive C bases (chr9:95,972,493-95,972,496); deleting any one gives the same sequence. VCF-style (leftmost placement, unchanged base first): chr9-95972492-TC-T. GRCh37 (hg19) VCF-style: chr9-98734774-TC-T.
Other names: c.2745del, p.Asp916fs (NM_001375291.1, NM_001375292.1, NM_001375293.1 and 1 more transcripts); short protein forms D916fs.
Identifiers: ClinVar variation 4857486 (VCV004857486.1).
Genomic context (GRCh38, chr9:95,972,492, plus strand): 5'-ATGTCACAGAATCAGAAGATAGTGATGTCATCTGTCCTACACAATACACAACTGAGAGAT[TC>T]CCCGACAATAGTATAAGGTTTAAGCCACCCTTGGAAGGATCTGAGGATTCTGAAACAGAA-3'